The following is an entry in ClinVar:

NM_004415.4(DSP):c.1601T>C (p.Leu534Ser)

Gene: DSP (desmoplakin; plus strand). Cytogenetic location: 6p24.3.
Variant type: single nucleotide variant.
Coding change: c.1601T>C on transcript NM_004415.4 (MANE Select); coding-DNA position 1601, T replaced by C.
Protein change: p.Leu534Ser; replaces leucine 534 with serine.
Molecular consequence: missense variant.
Genome position (GRCh38, 1-based): chr6:7,570,463, T>C. VCF-style: chr6-7570463-T-C. GRCh37 (hg19) VCF-style: chr6-7570696-T-C.
Other names: c.1601T>C, p.Leu534Ser (NM_001008844.3, NM_001319034.2); short protein forms L534S.
Identifiers: ClinVar variation 924309 (VCV000924309.5), dbSNP rs1759009878, ClinGen allele CA362678079.

ClinVar aggregate classification (germline): Uncertain significance (1 of 4 stars; one submission).

Conditions:
Cardiomyopathy (CMYO). Also called: Cardiomyopathies. Identifiers: Orphanet 167848, MedGen C0878544, MONDO:0004994, HP:0001638. Inheritance: Various modes of inheritance.

Submission:

Color Diagnostics, LLC DBA Color Health
Classification: Uncertain significance for Cardiomyopathy. Last evaluated: 2023-12-04. Review status: criteria provided, single submitter. Criteria: ACMG Guidelines, 2015. Collection method: clinical testing. Allele origin: germline.
Comment: Variant of Uncertain Significance due to insufficient evidence: This missense variant is located in the spectrin repeat 5 of the plakin domain of the DSP protein. Computational prediction tools and conservation analyses are inconclusive regarding the impact of this variant on the protein function. Computational splicing tools suggest that this variant may not impact RNA splicing. To our knowledge, functional assays have not been performed for this variant nor has this variant been reported in individuals affected with cardiovascular disorders in the literature. This variant is rare in the general population and has been identified in 0/277264 chromosomes by the Genome Aggregation Database (gnomAD). Available evidence is insufficient to determine the pathogenicity of this variant conclusively.